The following is an entry in ClinVar:

ClinVar aggregate classification (germline): Uncertain significance (1 of 4 stars; one submission).

Conditions:
Hereditary cancer-predisposing syndrome. Also called: Neoplastic Syndromes, Hereditary; Tumor predisposition; Hereditary neoplastic syndrome; Hereditary Cancer Syndrome. Identifiers: Orphanet 140162, MedGen C0027672, MeSH D009386, MONDO:0015356.
Cardiovascular phenotype. Identifiers: MedGen CN230736.

Submission:

Ambry Genetics
Classification: Uncertain significance for Cardiovascular phenotype; Hereditary cancer-predisposing syndrome. Last evaluated: 2023-06-12. Review status: criteria provided, single submitter. Criteria: Ambry Variant Classification Scheme 2023. Collection method: clinical testing. Allele origin: germline.
Comment: The p.L142F variant (also known as c.426A>C), located in coding exon 4 of the NF1 gene, results from an A to C substitution at nucleotide position 426. The leucine at codon 142 is replaced by phenylalanine, an amino acid with highly similar properties. This amino acid position is conserved. In addition, the in silico prediction for this alteration is inconclusive. Since supporting evidence is limited at this time, the clinical significance of this alteration remains unclear.

NM_001042492.3(NF1):c.426A>C (p.Leu142Phe)

Gene: NF1 (neurofibromin 1; plus strand). Cytogenetic location: 17q11.2.
Variant type: single nucleotide variant.
Coding change: c.426A>C on transcript NM_001042492.3 (MANE Select); coding-DNA position 426, A replaced by C.
Protein change: p.Leu142Phe; replaces leucine 142 with phenylalanine.
Molecular consequence: missense variant.
Genome position (GRCh38, 1-based): chr17:31,163,323, A>C. VCF-style: chr17-31163323-A-C. GRCh37 (hg19) VCF-style: chr17-29490341-A-C.
Other names: c.426A>C, p.Leu142Phe (NM_000267.4, NM_001128147.3); short protein forms L142F.
Identifiers: ClinVar variation 3237777 (VCV003237777.1), dbSNP rs2065794926.
Genomic context (GRCh38, chr17:31,163,323, plus strand): 5'-CACCTGTCGTGAAGGAAACCAGCATGCAGCTGAACTTCGGAATTCTGCCTCTGGGGTTTT[A>C]TTTTCTCTCAGCTGCAACAACTTCAATGCAGTCTTTAGTCGCATTTCTACCAGGTTAGTG-3'
Protein context (NP_001035957.1, residues 132-152): AELRNSASGV[Leu142Phe]FSLSCNNFNA